The following is an entry in ClinVar:

NM_001042492.3(NF1):c.1642G>C (p.Ala548Pro)

Gene: NF1 (neurofibromin 1; plus strand). Cytogenetic location: 17q11.2.
Variant type: single nucleotide variant.
Coding change: c.1642G>C on transcript NM_001042492.3 (MANE Select); coding-DNA position 1642, G replaced by C.
Protein change: p.Ala548Pro; replaces alanine 548 with proline.
Molecular consequence: missense variant.
Genome position (GRCh38, 1-based): chr17:31,221,850, G>C. VCF-style: chr17-31221850-G-C. GRCh37 (hg19) VCF-style: chr17-29548868-G-C.
Other names: c.1642G>C, p.Ala548Pro (NM_000267.4, NM_001128147.3); short protein forms A548P.
Identifiers: ClinVar variation 2832382 (VCV002832382.4), dbSNP rs2066927450, ClinGen allele CA399002212.
Genomic context (GRCh38, chr17:31,221,850, plus strand): 5'-GTTTACCAAAAATGTTTGAGTGAGTCTTCTCTTTGTCTTTCTCTTTTTTAAAAAATTCAG[G>C]CTCTGCTGGTTCTTCATCAGTTAGATAGCATTGATTTGTGGAATCCTGATGCTCCTGTAG-3'
Protein context (NP_001035957.1, residues 538-558): MPEIAQEAME[Ala548Pro]LLVLHQLDSI

ClinVar aggregate classification (germline): Conflicting classifications of pathogenicity. Review status: criteria provided, conflicting classifications (1 of 4 stars). 2 submissions from 2 submitters: Likely pathogenic (1); Uncertain significance (1). Last evaluated 2024-11-18.

Conditions:
Neurofibromatosis, type 1 (NF1). Also called: VON RECKLINGHAUSEN DISEASE; NEUROFIBROMATOSIS, TYPE I, SOMATIC; Neurofibromatosis, type I; Peripheral type neurofibromatosis. Identifiers: Orphanet 636, MedGen C0027831, MONDO:0018975, OMIM 162200. Disease mechanism: loss of function.

Submissions (2):

Rady Children's Institute for Genomic Medicine, Rady Children's Hospital San Diego
Classification: Likely pathogenic for Neurofibromatosis, type I. Last evaluated: 2024-11-18. Review status: criteria provided, single submitter. Criteria: ACMG Guidelines, 2015. Collection method: clinical testing. Allele origin: germline. Affected: yes.
Comment: The NF1 gene is highly constrained (Z-score= 8.42 and pLI = 1), which suggests it is intolerant to variation. The c.1642G>C (p.Ala548Pro) variant affects a highly conserved amino acid and is predicted by multiple in silico tools to have a deleterious effect on protein function. In addition, in-silico splice prediction tools suggest this variant may interfere with normal splicing. This variant has not been previously reported or functionally characterized in the literature to our knowledge. The c.1642G>C (p.Ala548Pro) variant is absent from the latest version of the gnomAD population database and thus is presumed to be rare. Based on parental analysis, this variant likely occurred as a de novo event. Based on the available evidence, c.1642G>C (p.Ala548Pro) is classified as Likely Pathogenic.

Labcorp Genetics (formerly Invitae), Labcorp
Classification: Uncertain significance for Neurofibromatosis, type 1. Last evaluated: 2023-11-28. Review status: criteria provided, single submitter. Criteria: Invitae Variant Classification Sherloc (09022015). Collection method: clinical testing. Allele origin: germline.
Comment: This sequence change replaces alanine, which is neutral and non-polar, with proline, which is neutral and non-polar, at codon 548 of the NF1 protein (p.Ala548Pro). This variant is not present in population databases (gnomAD no frequency). This variant has not been reported in the literature in individuals affected with NF1-related conditions. An algorithm developed to predict the effect of missense changes on protein structure and function (PolyPhen-2) suggests that this variant is likely to be disruptive. Algorithms developed to predict the effect of sequence changes on RNA splicing suggest that this variant may disrupt the consensus splice site. In summary, the available evidence is currently insufficient to determine the role of this variant in disease. Therefore, it has been classified as a Variant of Uncertain Significance.